The following is an entry in ClinVar:

NM_021813.4(BACH2):c.2220G>A (p.Thr740=)

Gene: BACH2 (BACH transcriptional regulator 2; minus strand). Cytogenetic location: 6q15.
Variant type: single nucleotide variant.
Coding change: c.2220G>A on transcript NM_021813.4 (MANE Select); coding-DNA position 2220, G replaced by A.
Protein change: p.Thr740=; no amino-acid change (threonine 740 retained).
Molecular consequence: synonymous variant.
Genome position (GRCh38, 1-based): chr6:89,932,714, C>T on the plus strand (G>A on the coding strand, the complement: BACH2 is on the minus strand). VCF-style: chr6-89932714-C-T. GRCh37 (hg19) VCF-style: chr6-90642433-C-T.
Other names: c.2220G>A (NM_021813.3); c.2220G>A, p.Thr740= (NM_001170794.2).
Identifiers: ClinVar variation 1155295 (VCV001155295.12), dbSNP rs147908828, ClinGen allele CA3927842.

ClinVar aggregate classification (germline): Likely benign. Review status: criteria provided, multiple submitters, no conflicts (2 of 4 stars). 3 submissions from 3 submitters: Likely benign (2). 1 of the submissions does not count toward it. Last evaluated 2026-01-07.

Conditions:
BACH2-related disorder. Also called: BACH2-related condition.

Allele frequency attached by ClinVar (database versions not stated): ESP Exome Variant Server 0.00008; gnomAD exomes 0.00011 and 0.00014; gnomAD 0.00012 and 0.00013; TOPMed 0.00012; ExAC 0.00015; 1000 Genomes Project 0.00020; 1000 Genomes Project 30x 0.00031.
gnomAD v4.1: 176 of 1,614,078 alleles (0.011%); highest among the groups gnomAD compares: Middle Eastern, 0.12%; no homozygotes.

Submissions (3):

Labcorp Genetics (formerly Invitae), Labcorp
Classification: Likely benign. Last evaluated: 2026-01-07. Review status: criteria provided, single submitter. Criteria: Invitae Variant Classification Sherloc (09022015). Collection method: clinical testing. Allele origin: germline.

Blueprint Genetics
Classification: Likely benign. Last evaluated: 2024-10-21. Review status: criteria provided, single submitter. Criteria: ACMG Guidelines, 2015. Collection method: clinical testing. Allele origin: germline.

PreventionGenetics, part of Exact Sciences
Classification: Likely benign for BACH2-related condition. Last evaluated: 2020-08-04. Review status: no assertion criteria provided. Collection method: clinical testing. Allele origin: germline. Not counted in ClinVar's aggregate classification.
Comment: This variant is classified as likely benign based on ACMG/AMP sequence variant interpretation guidelines (Richards et al. 2015 PMID: 25741868, with internal and published modifications).